The following is an entry in ClinVar:

NM_000492.4(CFTR):c.3622_3623delinsT (p.Gly1208fs)

Genes: CFTR (CF transmembrane conductance regulator; plus strand), CFTR-AS2 (CFTR antisense RNA 2; minus strand). Cytogenetic location: 7q31.2.
Variant type: Indel.
Coding change: c.3622_3623delinsT on transcript NM_000492.4 (MANE Select); coding-DNA positions 3622 to 3623, GG replaced by T.
Protein change: p.Gly1208fs; shifts the reading frame from glycine 1208.
Molecular consequence: frameshift variant.
Genome position (GRCh38, 1-based): chr7:117,627,675-117,627,676, GG replaced by T. VCF-style: chr7-117627675-GG-T. GRCh37 (hg19) VCF-style: chr7-117267729-GG-T.
Other names: c.3622_3623delinsT (NM_000492.3); short protein forms G1208fs.
Identifiers: ClinVar variation 2082996 (VCV002082996.6), dbSNP rs2485146476, ClinGen allele CA2580076353.

ClinVar aggregate classification (germline): Pathogenic/Likely pathogenic. Review status: criteria provided, multiple submitters, no conflicts (2 of 4 stars). 3 submissions from 3 submitters: Pathogenic (1); Likely pathogenic (2). Last evaluated 2024-05-28.

Conditions:
Cystic fibrosis (CF). Also called: MUCOVISCIDOSIS. Identifiers: Orphanet 586, MedGen C0010674, MONDO:0009061, OMIM 219700. Disease mechanism: loss of function.
CFTR-related disorder (CFTR-RD). Also called: CFTR-related disorders; CFTR-related condition. Identifiers: MedGen C5924204, MONDO:7770004.
Bronchiectasis with or without elevated sweat chloride 1 (BESC1). Also called: Cystic Fibrosis-Like Syndrome. Identifiers: Orphanet 60033, MedGen C2749757, MONDO:0008887, OMIM 211400.

Submissions (3):

Natera, Inc.
Classification: Likely pathogenic for CFTR-related disorders. Last evaluated: 2024-05-28. Review status: criteria provided, single submitter. Criteria: Natera Variant Classification Schema (03/2026). Collection method: clinical testing. Allele origin: germline.
Comment: The c.3622_3623delinsT variant in CFTR is a frameshift variant predicted to shift the reading frame beginning at codon 1208 and leads to a stop codon 3 codons downstream. This variant is expected to result in nonsense mediated decay, truncation, or a dysfunctional protein product. This variant is rare in the general population with a frequency below the threshold expected for the associated phenotype(s). Given the available evidence, this variant is classified as Likely Pathogenic.

Baylor Genetics
Classification: Likely pathogenic for Bronchiectasis with or without elevated sweat chloride 1. Last evaluated: 2023-01-19. Review status: criteria provided, single submitter. Criteria: ACMG Guidelines, 2015. Collection method: clinical testing. Allele origin: unknown.

Labcorp Genetics (formerly Invitae), Labcorp
Classification: Pathogenic for Cystic fibrosis. Last evaluated: 2022-01-15. Review status: criteria provided, single submitter. Criteria: Invitae Variant Classification Sherloc (09022015). Collection method: clinical testing. Allele origin: germline.
Comment: This variant has not been reported in the literature in individuals affected with CFTR-related conditions. Information on the frequency of this variant in the gnomAD database is not available, as this variant may be reported differently in the database. This sequence change creates a premature translational stop signal (p.Gly1208Serfs*3) in the CFTR gene. It is expected to result in an absent or disrupted protein product. Loss-of-function variants in CFTR are known to be pathogenic (PMID: 1695717, 7691345, 9725922). For these reasons, this variant has been classified as Pathogenic.

Literature cited by the submitters: PubMed 1695717 (cited by Labcorp Genetics (formerly Invitae), Labcorp); PubMed 7691345 (cited by Labcorp Genetics (formerly Invitae), Labcorp); PubMed 9725922 (cited by Labcorp Genetics (formerly Invitae), Labcorp).